The following is an entry in ClinVar:

NC_000009.12:g.(?_124482420)_(124482928_?)del

Gene: NR5A1 (nuclear receptor subfamily 5 group A member 1; minus strand). Cytogenetic location: 9q33.3.
Variant type: Deletion.
Identifiers: ClinVar variation 538430 (VCV000538430.8).

ClinVar aggregate classification (germline): Likely pathogenic. Review status: criteria provided, single submitter (1 of 4 stars). 2 submissions from 1 submitter: Likely pathogenic (2). Last evaluated 2018-01-18.

Conditions:
46 XY differences of sex development. Also called: 46,XY disorder of sex development; 46, XY disorder of sex development (DSD). Identifiers: Orphanet 98085, MedGen C2751824, MONDO:0020040.
Oligosynaptic infertility (SPGF1). Also called: SPERMATOGENIC FAILURE 1; OLIGOCHIASMATIC INFERTILITY. Identifiers: MedGen C0403810, MONDO:0009776, OMIM 258150.
46,XY sex reversal 3. Also called: NR5A1-related 46,XY complete gonadal dysgenesis; 46,XY GONADAL DYSGENESIS, PARTIAL OR COMPLETE, WITH OR WITHOUT ADRENAL FAILURE; DISORDER OF SEX DEVELOPMENT, 46,XY, NR5A1-RELATED; SEX REVERSAL, XY, WITH OR WITHOUT ADRENAL FAILURE; 46,XY SEX REVERSAL, PARTIAL OR COMPLETE, NR5A1-RELATED. Identifiers: MedGen C3489793, MONDO:0013066, OMIM 612965.

Submissions (2):

Labcorp Genetics (formerly Invitae), Labcorp
Classification: Likely pathogenic for 46 XY differences of sex development; Oligosynaptic infertility. Last evaluated: 2018-01-18. Review status: criteria provided, single submitter. Criteria: Invitae Variant Classification Sherloc (09022015). Collection method: clinical testing. Allele origin: germline.
Comment: This sequence change, c.1216_*339del, results in a partial exon deletion of the last exon in the NR5A1 gene. While this is not anticipated to result in nonsense mediated decay, it is expected to delete the last 56 amino acids of the NR5A1 protein and results in a truncated protein product. This variant has not been reported in the literature in individuals with NR5A1-related disease. Other truncations (p.Tyr409*,p.Leu423Trpfs*7, and p.Glu445*) that lie downstream of this variant have been reported in individuals affected with 46, XY disorders of sexual development (PMID:28032338, 28326187). In summary, the currently available evidence indicates that the variant is pathogenic, but additional data are needed to prove that conclusively. Therefore, this variant has been classified as Likely Pathogenic.

Labcorp Genetics (formerly Invitae), Labcorp
Classification: Likely pathogenic for 46 XY differences of sex development; Oligosynaptic infertility. Last evaluated: 2018-01-10. Review status: criteria provided, single submitter. Criteria: Invitae Variant Classification Sherloc (09022015). Collection method: clinical testing. Allele origin: germline.
Comment: Other truncations (p.Tyr409*,p.Leu423Trpfs*7, and p.Glu445*) that lie downstream of this variant have been reported in individuals affected with 46, XY disorders of sexual development (PMID:28032338, 28326187). In summary, the currently available evidence indicates that the variant is pathogenic, but additional data are needed to prove that conclusively. Therefore, this variant has been classified as Likely Pathogenic. This variant has not been reported in the literature in individuals with NR5A1-related disease. This sequence change, c.1216_*339del, results in a partial exon deletion of the last exon in the NR5A1 gene. While this is not anticipated to result in nonsense mediated decay, it is expected to delete the last 56 amino acids of the NR5A1 protein and results in a truncated protein product.

Literature cited by the submitters: PubMed 28326187; PubMed 28032338.